The following is an entry in ClinVar:

NM_004006.3(DMD):c.4090T>A (p.Leu1364Met)

Gene: DMD (dystrophin; minus strand). Cytogenetic location: Xp21.1.
Variant type: single nucleotide variant.
Coding change: c.4090T>A on transcript NM_004006.3 (MANE Select); coding-DNA position 4090, T replaced by A.
Protein change: p.Leu1364Met; replaces leucine 1364 with methionine.
Molecular consequence: missense variant.
Genome position (GRCh38, 1-based): chrX:32,411,895, A>T on the plus strand (T>A on the coding strand, the complement: DMD is on the minus strand). VCF-style: chrX-32411895-A-T. GRCh37 (hg19) VCF-style: chrX-32430012-A-T.
Other names: c.4066T>A, p.Leu1356Met (NM_000109.4); c.4078T>A, p.Leu1360Met (NM_004009.3); c.3721T>A, p.Leu1241Met (NM_004010.3); c.67T>A, p.Leu23Met (NM_004011.4); c.58T>A, p.Leu20Met (NM_004012.4); short protein forms L1241M, L1356M, L1360M, L1364M, L20M, L23M.
Identifiers: ClinVar variation 4800970 (VCV004800970.1).

ClinVar aggregate classification (germline): Uncertain significance (1 of 4 stars; one submission).

Conditions:
Duchenne muscular dystrophy (DMD). Also called: Duchenne Muscular Dystrophy (DMD); MUSCULAR DYSTROPHY, PSEUDOHYPERTROPHIC PROGRESSIVE, DUCHENNE TYPE. Identifiers: Orphanet 98896, MedGen C0013264, MONDO:0010679, OMIM 310200.

Submission:

Labcorp Genetics (formerly Invitae), Labcorp
Classification: Uncertain significance for Duchenne muscular dystrophy. Last evaluated: 2026-01-01. Review status: criteria provided, single submitter. Criteria: Invitae Variant Classification Sherloc (09022015). Collection method: clinical testing. Allele origin: germline.
Comment: This sequence change replaces leucine, which is neutral and non-polar, with methionine, which is neutral and non-polar, at codon 1364 of the DMD protein (p.Leu1364Met). This variant is not present in population databases (gnomAD no frequency). This variant has not been reported in the literature in individuals affected with DMD-related conditions. Invitae Evidence Modeling of protein sequence and biophysical properties (such as structural, functional, and spatial information, amino acid conservation, physicochemical variation, residue mobility, and thermodynamic stability) indicates that this missense variant is not expected to disrupt DMD protein function with a negative predictive value of 95%. In summary, the available evidence is currently insufficient to determine the role of this variant in disease. Therefore, it has been classified as a Variant of Uncertain Significance.